The following is an entry in ClinVar:

ClinVar aggregate classification (germline): Uncertain significance. Review status: criteria provided, multiple submitters, no conflicts (2 of 4 stars). 2 submissions from 2 submitters: Uncertain significance (2). Last evaluated 2025-10-07.

Conditions:
Peutz-Jeghers syndrome (PJS). Also called: POLYPOSIS, HAMARTOMATOUS INTESTINAL; POLYPS-AND-SPOTS SYNDROME; Peutz-Jeghers polyposis; Periorificial lentiginosis syndrome. Identifiers: Orphanet 2869, MedGen C0031269, MeSH D010580, MONDO:0008280, OMIM 175200.
Hereditary cancer-predisposing syndrome. Also called: Tumor predisposition; Neoplastic Syndromes, Hereditary; Hereditary Cancer Syndrome; Hereditary neoplastic syndrome. Identifiers: Orphanet 140162, MedGen C0027672, MeSH D009386, MONDO:0015356.

Submissions (2):

Labcorp Genetics (formerly Invitae), Labcorp
Classification: Uncertain significance for Peutz-Jeghers syndrome. Last evaluated: 2025-10-07. Review status: criteria provided, single submitter. Criteria: Invitae Variant Classification Sherloc (09022015). Collection method: clinical testing. Allele origin: germline.
Comment: This sequence change replaces threonine, which is neutral and polar, with alanine, which is neutral and non-polar, at codon 336 of the STK11 protein (p.Thr336Ala). This variant is not present in population databases (gnomAD no frequency). This variant has not been reported in the literature in individuals affected with STK11-related conditions. ClinVar contains an entry for this variant (Variation ID: 1784334). Invitae Evidence Modeling of protein sequence and biophysical properties (such as structural, functional, and spatial information, amino acid conservation, physicochemical variation, residue mobility, and thermodynamic stability) has been performed for this missense variant. However, the output from this modeling did not meet the statistical confidence thresholds required to predict the impact of this variant on STK11 protein function. In summary, the available evidence is currently insufficient to determine the role of this variant in disease. Therefore, it has been classified as a Variant of Uncertain Significance.

Ambry Genetics
Classification: Uncertain significance for Hereditary cancer-predisposing syndrome. Last evaluated: 2022-03-29. Review status: criteria provided, single submitter. Criteria: Ambry Variant Classification Scheme 2023. Collection method: clinical testing. Allele origin: germline.
Comment: The p.T336A variant (also known as c.1006A>G), located in coding exon 8 of the STK11 gene, results from an A to G substitution at nucleotide position 1006. The threonine at codon 336 is replaced by alanine, an amino acid with similar properties. This amino acid position is highly conserved in available vertebrate species. In addition, the in silico prediction for this alteration is inconclusive. Since supporting evidence is limited at this time, the clinical significance of this alteration remains unclear.

NM_000455.5(STK11):c.1006A>G (p.Thr336Ala)

Genes: STK11 (serine/threonine kinase 11; plus strand), LOC130062899 (ATAC-STARR-seq lymphoblastoid active region 13597; plus strand). Cytogenetic location: 19p13.3.
Variant type: single nucleotide variant.
Coding change: c.1006A>G on transcript NM_000455.5 (MANE Select); coding-DNA position 1006, A replaced by G.
Protein change: p.Thr336Ala; replaces threonine 336 with alanine.
Molecular consequence: missense variant.
Genome position (GRCh38, 1-based): chr19:1,223,070, A>G. VCF-style: chr19-1223070-A-G. GRCh37 (hg19) VCF-style: chr19-1223069-A-G.
Other names: c.1006A>G, p.Thr336Ala (NM_001407255.1); short protein forms T336A.
Identifiers: ClinVar variation 1784334 (VCV001784334.3), dbSNP rs2145430956, ClinGen allele CA402951691.